The following is an entry in ClinVar:

ClinVar aggregate classification (germline): Pathogenic, low penetrance (1 of 4 stars; one submission).

Conditions:
Age related macular degeneration 4. Identifiers: MedGen C1853147, MONDO:0012540, OMIM 610698.

Submission:

Genomenon, Inc
Classification: Pathogenic, low penetrance for Age related macular degeneration 4. Last evaluated: 2025-10-02. Review status: criteria provided, single submitter. Criteria: Genomenon Sequence Variant Interpretation Standards - Updated. Collection method: curation. Allele origin: germline. Affected: yes.
Comment: CFH p.Glu359Ter (c.1075G>T) is a nonsense variant that introduces a premature stop codon at amino acid position 359, creating a truncated protein that is predicted to undergo nonsense-mediated mRNA decay. This variant has been observed in at least one proband affected with age-related macular degeneration (PMID:34508573). It is absent or not present at a significant frequency in gnomAD. In conclusion, we classify CFH p.Glu359Ter (c.1075G>T) as a pathogenic, low penetrance variant.

Literature cited by the submitters: PubMed 34508573.

NM_000186.4(CFH):c.1075G>T (p.Glu359Ter)

Gene: CFH (complement factor H; plus strand). Cytogenetic location: 1q31.3.
Variant type: single nucleotide variant.
Coding change: c.1075G>T on transcript NM_000186.4 (MANE Select); coding-DNA position 1075, G replaced by T.
Protein change: p.Glu359Ter; replaces glutamic acid 359 with a stop codon.
Molecular consequence: nonsense.
Genome position (GRCh38, 1-based): chr1:196,689,530, G>T. VCF-style: chr1-196689530-G-T. GRCh37 (hg19) VCF-style: chr1-196658660-G-T.
Other names: c.1075G>T, p.Glu359Ter (NM_001014975.3); short protein forms E359*.
Identifiers: ClinVar variation 4291358 (VCV004291358.1).